The following is an entry in ClinVar:

NM_007194.4(CHEK2):c.1116dup (p.Lys373fs)

Gene: CHEK2 (checkpoint kinase 2; minus strand). Cytogenetic location: 22q12.1.
Variant type: Duplication.
Coding change: c.1116dup on transcript NM_007194.4 (MANE Select); coding-DNA position 1116, one base duplicated (C; older notation c.1116dupC).
Protein change: p.Lys373fs; shifts the reading frame from lysine 373.
Molecular consequence: frameshift variant.
Genome position (GRCh38, 1-based): chr22:28,695,853, G duplicated on the plus strand (C on the coding strand, the reverse complement: CHEK2 is on the minus strand); the first of 2 consecutive G bases (chr22:28,695,853-28,695,854); duplicating either gives the same sequence. VCF-style (leftmost placement, unchanged base first): chr22-28695852-T-TG. GRCh37 (hg19) VCF-style: chr22-29091840-T-TG.
Other names: c.1116dup (NM_007194.3); c.1244dup, p.Lys416Glnfs (NM_001005735.3); c.452dup, p.Lys152Glnfs (NM_001257387.3); c.914dup, p.Lys306Glnfs (NM_001349956.3); c.1028dup, p.Lys344Glnfs (NM_145862.3); short protein forms K373fs, K416fs, K306fs, K344fs, K152fs.
Identifiers: ClinVar variation 418131 (VCV000418131.22), dbSNP rs1555913894, ClinGen allele CA16621056.

ClinVar aggregate classification (germline): Pathogenic. Review status: criteria provided, multiple submitters, no conflicts (2 of 4 stars). 6 submissions from 6 submitters: Pathogenic (6). Last evaluated 2024-12-30.

Conditions:
Hereditary cancer-predisposing syndrome. Also called: Hereditary Cancer Syndrome; Tumor predisposition; Neoplastic Syndromes, Hereditary; Hereditary neoplastic syndrome. Identifiers: Orphanet 140162, MedGen C0027672, MeSH D009386, MONDO:0015356.
Familial cancer of breast. Also called: hereditary breast carcinoma; BREAST CANCER, FAMILIAL; Hereditary breast cancer. Identifiers: Orphanet 227535, MedGen C0346153, MONDO:0016419, OMIM 114480. Disease mechanism: loss of function.
Familial prostate cancer. Also called: Hereditary Prostate Cancer. Identifiers: MedGen C2931456, MONDO:0700275, OMIM 176807.
Bone osteosarcoma. Also called: Osteosarcoma, somatic. Identifiers: Orphanet 668, MedGen C0585442, MONDO:0002629, OMIM 259500.
CHEK2-related cancer predisposition (TPDS4). Also called: CHEK2-related cancer susceptibility; TUMOR PREDISPOSITION SYNDROME 4; CANCER PREDISPOSITION SYNDROME, CHEK2-RELATED. Identifiers: Orphanet 524, MedGen C5882668, MONDO:0700271, OMIM 609265.

Submissions (6):

Ambry Genetics
Classification: Pathogenic for Hereditary cancer-predisposing syndrome. Last evaluated: 2024-12-30. Review status: criteria provided, single submitter. Criteria: Ambry Variant Classification Scheme 2023. Collection method: clinical testing. Allele origin: germline.
Comment: The c.1116dupC pathogenic mutation, located in coding exon 10 of the CHEK2 gene, results from a duplication of C at nucleotide position 1116, causing a translational frameshift with a predicted alternate stop codon (p.K373Qfs*22). This variant is considered to be rare based on population cohorts in the Genome Aggregation Database (gnomAD). This alteration is expected to result in loss of function by premature protein truncation or nonsense-mediated mRNA decay. As such, this alteration is interpreted as a disease-causing mutation.

Labcorp Genetics (formerly Invitae), Labcorp
Classification: Pathogenic for Familial cancer of breast. Last evaluated: 2024-01-17. Review status: criteria provided, single submitter. Criteria: Invitae Variant Classification Sherloc (09022015). Collection method: clinical testing. Allele origin: germline.
Comment: This sequence change creates a premature translational stop signal (p.Lys373Glnfs*22) in the CHEK2 gene. It is expected to result in an absent or disrupted protein product. Loss-of-function variants in CHEK2 are known to be pathogenic (PMID: 21876083, 24713400). This variant is not present in population databases (gnomAD no frequency). This premature translational stop signal has been observed in individual(s) with breast cancer and pancreatic cancer (PMID: 28580595, 28724667, 30067863). This variant is also known as c.1245dupC. ClinVar contains an entry for this variant (Variation ID: 418131). For these reasons, this variant has been classified as Pathogenic.

Myriad Genetics, Inc.
Classification: Pathogenic for Familial cancer of breast. Last evaluated: 2023-06-28. Review status: criteria provided, single submitter. Criteria: Myriad Autosomal Dominant, Autosomal Recessive and X-Linked Classification Criteria (2023). Collection method: clinical testing. Allele origin: unknown.
Comment: This variant is considered pathogenic. This variant creates a frameshift predicted to result in premature protein truncation.

Color Diagnostics, LLC DBA Color Health
Classification: Pathogenic for Hereditary cancer-predisposing syndrome. Last evaluated: 2020-01-15. Review status: criteria provided, single submitter. Criteria: ACMG Guidelines, 2015. Collection method: clinical testing. Allele origin: germline.
Comment: This variant inserts 1 nucleotide in exon 11 of the CHEK2 gene, creating a frameshift and premature translation stop signal. This variant is expected to result in an absent or non-functional protein product. This variant has not been identified in the general population by the Genome Aggregation Database (gnomAD). Loss of CHEK2 function is a known mechanism of disease. Based on the available evidence, this variant is classified as Pathogenic.

GeneDx
Classification: Pathogenic. Last evaluated: 2015-02-25. Review status: criteria provided, single submitter. Criteria: GeneDx Variant Classification (06012015). Collection method: clinical testing. Allele origin: germline. Affected: yes.
Comment: This duplication of one nucleotide in CHEK2 is denoted c.1116dupC at the cDNA level and p.Lys373GlnfsX22 (K373QfsX22) at the protein level. The normal sequence, with the base that is duplicated in brackets, is ACTC[C]AAGA. The duplication causes a frameshift, which changes a Lysine to a Glutamine at codon 373, and creates a premature stop codon at position 22 of the new reading frame. Although this variant has not, to our knowledge, been reported in the literature, it is predicted to cause loss of normal protein function through either protein truncation or nonsense-mediated mRNA decay. we consider this variant to be pathogenic.

Juno Genomics, Hangzhou Juno Genomics, Inc
Classification: Pathogenic for CHEK2-related cancer predisposition; Bone osteosarcoma; Familial prostate cancer. Review status: criteria provided, single submitter. Criteria: ACMG Guidelines, 2015. Collection method: clinical testing. Allele origin: germline.
Comment: Absent from controls (or at extremely low frequency if recessive) in Genome Aggregation Database.;Null variant in a gene where loss of function (LOF) is a known mechanism of disease.;The prevalence of the variant in affected individuals is significantly increased compared to the prevalence in controls.

Literature cited by the submitters: PubMed 21876083 (cited by Labcorp Genetics (formerly Invitae), Labcorp); PubMed 24713400 (cited by Labcorp Genetics (formerly Invitae), Labcorp); PubMed 28580595 (cited by Labcorp Genetics (formerly Invitae), Labcorp); PubMed 28724667 (cited by Labcorp Genetics (formerly Invitae), Labcorp); PubMed 30067863 (cited by Labcorp Genetics (formerly Invitae), Labcorp).